The following is an entry in ClinVar:

NM_000245.4(MET):c.1250G>C (p.Arg417Pro)

Gene: MET (MET proto-oncogene, receptor tyrosine kinase; plus strand). Cytogenetic location: 7q31.2.
Variant type: single nucleotide variant.
Coding change: c.1250G>C on transcript NM_000245.4 (MANE Select); coding-DNA position 1250, G replaced by C.
Protein change: p.Arg417Pro; replaces arginine 417 with proline.
Molecular consequence: missense variant. On other transcripts: 5 prime UTR variant (1).
Genome position (GRCh38, 1-based): chr7:116,731,717, G>C. VCF-style: chr7-116731717-G-C. GRCh37 (hg19) VCF-style: chr7-116371771-G-C.
Other names: c.1250G>C, p.Arg417Pro (NM_001127500.3, NM_001324401.3); c.-41G>C (NM_001324402.2); short protein forms R417P.
Identifiers: ClinVar variation 1386182 (VCV001386182.10), dbSNP rs2116780504, ClinGen allele CA368972774.

ClinVar aggregate classification (germline): Uncertain significance. Review status: criteria provided, multiple submitters, no conflicts (2 of 4 stars). 2 submissions from 2 submitters: Uncertain significance (2). Last evaluated 2022-09-08.

Conditions:
Renal cell carcinoma. Identifiers: Orphanet 217071, MedGen C0007134, MeSH D002292, MONDO:0005086, HP:0005584.
Hereditary cancer-predisposing syndrome. Also called: Neoplastic Syndromes, Hereditary; Tumor predisposition; Hereditary neoplastic syndrome; Hereditary Cancer Syndrome. Identifiers: Orphanet 140162, MedGen C0027672, MeSH D009386, MONDO:0015356.

Submissions (2):

Ambry Genetics
Classification: Uncertain significance for Hereditary cancer-predisposing syndrome. Last evaluated: 2022-09-08. Review status: criteria provided, single submitter. Criteria: Ambry Variant Classification Scheme 2023. Collection method: clinical testing. Allele origin: germline.
Comment: The p.R417P variant (also known as c.1250G>C), located in coding exon 2 of the MET gene, results from a G to C substitution at nucleotide position 1250. The arginine at codon 417 is replaced by proline, an amino acid with dissimilar properties. This amino acid position is highly conserved in available vertebrate species. In addition, the in silico prediction for this alteration is inconclusive. Since supporting evidence is limited at this time, the clinical significance of this alteration remains unclear.

Labcorp Genetics (formerly Invitae), Labcorp
Classification: Uncertain significance for Renal cell carcinoma. Last evaluated: 2021-03-12. Review status: criteria provided, single submitter. Criteria: Invitae Variant Classification Sherloc (09022015). Collection method: clinical testing. Allele origin: germline.
Comment: This sequence change replaces arginine with proline at codon 417 of the MET protein (p.Arg417Pro). The arginine residue is highly conserved and there is a moderate physicochemical difference between arginine and proline. This variant is not present in population databases (ExAC no frequency). This variant has not been reported in the literature in individuals with MET-related conditions. Algorithms developed to predict the effect of missense changes on protein structure and function are either unavailable or do not agree on the potential impact of this missense change (SIFT: "Deleterious"; PolyPhen-2: "Probably Damaging"; Align-GVGD: "Class C0"). In summary, the available evidence is currently insufficient to determine the role of this variant in disease. Therefore, it has been classified as a Variant of Uncertain Significance.